The following is an entry in ClinVar:

NM_005477.3(HCN4):c.1844T>G (p.Val615Gly)

Gene: HCN4 (hyperpolarization activated cyclic nucleotide gated potassium channel 4; minus strand). Cytogenetic location: 15q24.1.
Variant type: single nucleotide variant.
Coding change: c.1844T>G on transcript NM_005477.3 (MANE Select); coding-DNA position 1844, T replaced by G.
Protein change: p.Val615Gly; replaces valine 615 with glycine.
Molecular consequence: missense variant.
Genome position (GRCh38, 1-based): chr15:73,325,089, A>C on the plus strand (T>G on the coding strand, the complement: HCN4 is on the minus strand). VCF-style: chr15-73325089-A-C. GRCh37 (hg19) VCF-style: chr15-73617430-A-C.
Other names: short protein forms V615G.
Identifiers: ClinVar variation 887901 (VCV000887901.6), dbSNP rs2042890755, ClinGen allele CA393090756.

ClinVar aggregate classification (germline): Uncertain significance. Review status: criteria provided, multiple submitters, no conflicts (2 of 4 stars). 2 submissions from 2 submitters: Uncertain significance (2). Last evaluated 2024-11-24.

Conditions:
Sick sinus syndrome 2, autosomal dominant (SSS2). Also called: ATRIAL FIBRILLATION WITH BRADYARRHYTHMIA; SINUS BRADYCARDIA SYNDROME, FAMILIAL, AUTOSOMAL DOMINANT; SINUS NODE DISEASE, FAMILIAL, AUTOSOMAL DOMINANT; SICK SINUS SYNDROME 2; SICK SINUS SYNDROME 2 WITH OR WITHOUT CARDIAC NONCOMPACTION AND/OR ASCENDING AORTA DILATION. Identifiers: Orphanet 166282, MedGen C1834144, MONDO:0008102, OMIM 163800.
Brugada syndrome 8 (BRGDA8). Identifiers: Orphanet 130, MedGen C2751083, MONDO:0013148, OMIM 613123.

Submissions (2):

Labcorp Genetics (formerly Invitae), Labcorp
Classification: Uncertain significance for Brugada syndrome 8. Last evaluated: 2024-11-24. Review status: criteria provided, single submitter. Criteria: Invitae Variant Classification Sherloc (09022015). Collection method: clinical testing. Allele origin: germline.
Comment: This sequence change replaces valine, which is neutral and non-polar, with glycine, which is neutral and non-polar, at codon 615 of the HCN4 protein (p.Val615Gly). This variant is not present in population databases (gnomAD no frequency). This variant has not been reported in the literature in individuals affected with HCN4-related conditions. ClinVar contains an entry for this variant (Variation ID: 887901). Invitae Evidence Modeling of protein sequence and biophysical properties (such as structural, functional, and spatial information, amino acid conservation, physicochemical variation, residue mobility, and thermodynamic stability) indicates that this missense variant is expected to disrupt HCN4 protein function with a positive predictive value of 95%. In summary, the available evidence is currently insufficient to determine the role of this variant in disease. Therefore, it has been classified as a Variant of Uncertain Significance.

Illumina Laboratory Services, Illumina
Classification: Uncertain significance for Sick sinus syndrome 2, autosomal dominant. Last evaluated: 2018-01-13. Review status: criteria provided, single submitter. Criteria: ICSL Variant Classification Criteria 13 December 2019. Collection method: clinical testing. Allele origin: germline.